The following is an entry in ClinVar:

NM_000352.6(ABCC8):c.2975G>A (p.Arg992His)

Gene: ABCC8 (ATP binding cassette subfamily C member 8; minus strand). Cytogenetic location: 11p15.1.
Variant type: single nucleotide variant.
Coding change: c.2975G>A on transcript NM_000352.6 (MANE Select); coding-DNA position 2975, G replaced by A.
Protein change: p.Arg992His; replaces arginine 992 with histidine.
Molecular consequence: missense variant. On other transcripts: non-coding transcript variant (1).
Genome position (GRCh38, 1-based): chr11:17,407,075, C>T on the plus strand (G>A on the coding strand, the complement: ABCC8 is on the minus strand). VCF-style: chr11-17407075-C-T. GRCh37 (hg19) VCF-style: chr11-17428622-C-T.
Other names: c.2975G>A (NM_000352.4); c.2978G>A, p.Arg993His (NM_001287174.3); c.3041G>A, p.Arg1014His (NM_001351295.2); c.2975G>A, p.Arg992His (NM_001351296.2); c.2972G>A, p.Arg991His (NM_001351297.2); short protein forms R1014H, R992H, R993H, R991H.
Identifiers: ClinVar variation 4088167 (VCV004088167.2).
Genomic context (GRCh38, chr11:17,407,075, plus strand): 5'-AGGAGCAGGATGCCGGCGGAGGACAGGTACTTGGCGCAGGCTCGCCATGGGATCTCAGCA[C>T]GCTGGTGCAGCATGGACGACAGGTTGTCATCCTCCTCGCTCTCAGCTGCCTCCTCTGCAG-3'
Protein context (NP_000343.2, residues 982-1002): DDNLSSMLHQ[Arg992His]AEIPWRACAK

ClinVar aggregate classification (germline): Uncertain significance. Review status: criteria provided, multiple submitters, no conflicts (2 of 4 stars). 2 submissions from 2 submitters: Uncertain significance (2). Last evaluated 2025-05-22.

Conditions:
ABCC8-related disorder.

gnomAD v4.1: 27 of 1,613,892 alleles (0.0017%); highest among the groups gnomAD compares: East Asian, 0.0089%; no homozygotes.

Submissions (2):

PreventionGenetics, part of Exact Sciences
Classification: Uncertain significance for ABCC8-related condition. Last evaluated: 2025-05-22. Review status: criteria provided, single submitter. Criteria: ACMG Guidelines, 2015. Collection method: clinical testing. Allele origin: germline.
Comment: The ABCC8 c.2975G>A variant is predicted to result in the amino acid substitution p.Arg992His. This variant, also referred to as c.2978G>A (p.Arg993His) in alternate transcript NM_001287174, was reported in the homozygous state in an individual with maturity-onset diabetes of the young (MODY); however, testing of family members did not demonstrate segregation with disease (Moalla et al. 2021. PubMed ID: 34393998). This variant is reported in 0.0065% of alleles in individuals of South Asian descent in gnomAD. Different missense changes impacting the same amino acid (p.Arg992Cys and p.Arg992Pro) have been reported in individuals with neonatal diabetes, but conclusive evidence to support pathogenicity was not provided (respectively: Gopi et al. 2020. PubMed ID: 32893419; Table S4, Dron et al. 2020. PubMed ID: 32041611). At this time, the clinical significance of the c.2975G>A (p.Arg992His) variant is uncertain due to the absence of conclusive functional and genetic evidence.

GeneDx
Classification: Uncertain significance. Last evaluated: 2025-03-26. Review status: criteria provided, single submitter. Criteria: GeneDx Variant Classification Process June 2021. Collection method: clinical testing. Allele origin: germline. Affected: yes.
Comment: Reported in a family with multiple members affected with diabetes; however, one affected individual was found to not harbor the variant (PMID: 34393998); In silico analysis supports that this missense variant has a deleterious effect on protein structure/function; This variant is associated with the following publications: (PMID: 34393998)